The following is an entry in ClinVar:

NM_002693.3(POLG):c.140_141insACA (p.Gln55dup)

Genes: POLG (DNA polymerase gamma, catalytic subunit; minus strand), POLGARF (POLG alternative reading frame; minus strand). Cytogenetic location: 15q26.1.
Variant type: Insertion.
Coding change: c.140_141insACA on transcript NM_002693.3 (MANE Select); coding-DNA positions 140 to 141, ACA inserted.
Protein change: p.Gln55dup; duplicates glutamine 55.
Molecular consequence: inframe insertion.
Genome position: GRCh38 VCF-style: chr15-89333614-C-CTGT. GRCh37 (hg19) VCF-style: chr15-89876845-C-CTGT.
Other names: c.140_141insACA, p.Gln55dup (NM_001126131.2).
Identifiers: ClinVar variation 1470676 (VCV001470676.5), dbSNP rs1397675423, ClinGen allele CA619857525.

ClinVar aggregate classification (germline): Uncertain significance (1 of 4 stars; one submission).

Conditions:
Progressive sclerosing poliodystrophy (MTDPS4A). Also called: Mitochondrial DNA depletion syndrome 4A (Alpers type); ALPERS PROGRESSIVE INFANTILE POLIODYSTROPHY; NEURONAL DEGENERATION OF CHILDHOOD WITH LIVER DISEASE, PROGRESSIVE; Mitochondrial DNA Depletion Syndrome 4A; Alpers-Huttenlocher Syndrome (AHS); Alpers Syndrome. Identifiers: Orphanet 726, MedGen C0205710, MONDO:0008758, OMIM 203700.

Submission:

Labcorp Genetics (formerly Invitae), Labcorp
Classification: Uncertain significance for Progressive sclerosing poliodystrophy. Last evaluated: 2025-09-02. Review status: criteria provided, single submitter. Criteria: Invitae Variant Classification Sherloc (09022015). Collection method: clinical testing. Allele origin: germline.
Comment: This variant, c.140_141insACA, results in the insertion of 1 amino acid(s) of the POLG protein (p.Gln55dup), but otherwise preserves the integrity of the reading frame. The frequency data for this variant in the population databases is considered unreliable, as metrics indicate poor data quality at this position in the gnomAD database. This variant has been observed in individual(s) with epileptic encephalopathy (PMID: 29190809). ClinVar contains an entry for this variant (Variation ID: 1470676). Experimental studies and prediction algorithms are not available or were not evaluated, and the functional significance of this variant is currently unknown. In summary, the available evidence is currently insufficient to determine the role of this variant in disease. Therefore, it has been classified as a Variant of Uncertain Significance.

Literature cited by the submitters: PubMed 29190809.